The following is an entry in ClinVar:

ClinVar aggregate classification (germline): Benign. Review status: criteria provided, multiple submitters, no conflicts (2 of 4 stars). 3 submissions from 3 submitters: Benign (2). 1 of the submissions does not count toward it. Last evaluated 2026-02-04.

Conditions:
FBN3-related disorder. Also called: FBN3-related condition.

Allele frequency attached by ClinVar (database versions not stated): 1000 Genomes Project 30x 0.25047; gnomAD 0.32682 and 0.33489; TOPMed 0.33208; ESP Exome Variant Server 0.36552; 1000 Genomes Project 0.24521; gnomAD exomes 0.28610 and 0.33131; ExAC 0.29539.
gnomAD v4.1: 533,669 of 1,613,130 alleles (33%); highest among the groups gnomAD compares: Middle Eastern, 37%; 92,019 homozygotes.

Submissions (3):

Labcorp Genetics (formerly Invitae), Labcorp
Classification: Benign. Last evaluated: 2026-02-04. Review status: criteria provided, single submitter. Criteria: Invitae Variant Classification Sherloc (09022015). Collection method: clinical testing. Allele origin: germline.

Breakthrough Genomics
Classification: Benign. Review status: criteria provided, single submitter. Criteria: ACMG Guidelines, 2015. Collection method: not provided. Allele origin: germline. Inheritance: Unknown mechanism. Affected: yes.

PreventionGenetics, part of Exact Sciences
Classification: Benign for FBN3-related condition. Last evaluated: 2019-10-17. Review status: no assertion criteria provided. Collection method: clinical testing. Allele origin: germline. Not counted in ClinVar's aggregate classification.
Comment: This variant is classified as benign based on ACMG/AMP sequence variant interpretation guidelines (Richards et al. 2015 PMID: 25741868, with internal and published modifications).

NM_032447.5(FBN3):c.6177G>A (p.Glu2059=)

Gene: FBN3 (fibrillin 3; minus strand). Cytogenetic location: 19p13.2.
Variant type: single nucleotide variant.
Coding change: c.6177G>A on transcript NM_032447.5 (MANE Select); coding-DNA position 6177, G replaced by A.
Protein change: p.Glu2059=; no amino-acid change (glutamic acid 2059 retained).
Molecular consequence: synonymous variant.
Genome position (GRCh38, 1-based): chr19:8,090,106, C>T on the plus strand (G>A on the coding strand, the complement: FBN3 is on the minus strand). VCF-style: chr19-8090106-C-T. GRCh37 (hg19) VCF-style: chr19-8154990-C-T.
Other names: c.6177G>A, p.Glu2059= (NM_001321431.2); c.6177G>A (NM_001321431.1).
Identifiers: ClinVar variation 1600781 (VCV001600781.11), dbSNP rs35002391, ClinGen allele CA9151402.